The following is an entry in ClinVar:

NM_001080449.3(DNA2):c.507C>A (p.Ala169=)

Gene: DNA2 (DNA replication helicase/nuclease 2; minus strand). Cytogenetic location: 10q21.3.
Variant type: single nucleotide variant.
Coding change: c.507C>A on transcript NM_001080449.3 (MANE Select); coding-DNA position 507, C replaced by A.
Protein change: p.Ala169=; no amino-acid change (alanine 169 retained).
Molecular consequence: synonymous variant. On other transcripts: non-coding transcript variant (1).
Genome position (GRCh38, 1-based): chr10:68,465,747, G>T on the plus strand (C>A on the coding strand, the complement: DNA2 is on the minus strand). VCF-style: chr10-68465747-G-T. GRCh37 (hg19) VCF-style: chr10-70225504-G-T.
Identifiers: ClinVar variation 257346 (VCV000257346.17), dbSNP rs3758626, ClinGen allele CA5525277.

ClinVar aggregate classification (germline): Benign. Review status: criteria provided, multiple submitters, no conflicts (2 of 4 stars). 8 submissions from 7 submitters: Benign (7). 1 of the submissions does not count toward it. Last evaluated 2026-02-04.

Conditions:
Seckel syndrome 8 (SCKL8). Identifiers: Orphanet 808, MedGen C3891452, MONDO:0014350, OMIM 615807.
Mitochondrial DNA deletion syndrome with progressive myopathy. Also called: PROGRESSIVE EXTERNAL OPHTHALMOPLEGIA, AUTOSOMAL DOMINANT 6; Progressive external ophthalmoplegia with mitochondrial DNA deletions, autosomal dominant 6. Identifiers: Orphanet 352470, MedGen C3554599, MONDO:0014062, OMIM 615156.

Allele frequency attached by ClinVar (database versions not stated): gnomAD exomes 0.23244 and 0.28049; ESP Exome Variant Server 0.27582; ExAC 0.28675; gnomAD 0.28903; TOPMed 0.30509; 1000 Genomes Project 0.36641; 1000 Genomes Project 30x 0.36790.
gnomAD v4.1: 383,644 of 1,604,186 alleles (24%); highest among the groups gnomAD compares: African/African-American, 42%; 50,571 homozygotes.

Submissions (8):

Labcorp Genetics (formerly Invitae), Labcorp
Classification: Benign. Last evaluated: 2026-02-04. Review status: criteria provided, single submitter. Criteria: Invitae Variant Classification Sherloc (09022015). Collection method: clinical testing. Allele origin: germline.

Blueprint Genetics
Classification: Benign. Last evaluated: 2024-11-27. Review status: criteria provided, single submitter. Criteria: ACMG Guidelines, 2015. Collection method: clinical testing. Allele origin: germline.

Genome-Nilou Lab
Classification: Benign for Seckel syndrome 8. Last evaluated: 2021-07-30. Review status: criteria provided, single submitter. Criteria: ACMG Guidelines, 2015. Collection method: clinical testing. Allele origin: germline. Affected: no.

Genome-Nilou Lab
Classification: Benign for Mitochondrial DNA deletion syndrome with progressive myopathy. Last evaluated: 2021-07-30. Review status: criteria provided, single submitter. Criteria: ACMG Guidelines, 2015. Collection method: clinical testing. Allele origin: germline. Affected: no.

GeneDx
Classification: Benign. Last evaluated: 2015-12-02. Review status: criteria provided, single submitter. Criteria: GeneDx Variant Classification (06012015). Collection method: clinical testing. Allele origin: germline. Affected: yes.
Comment: This variant is considered likely benign or benign based on one or more of the following criteria: it is a conservative change, it occurs at a poorly conserved position in the protein, it is predicted to be benign by multiple in silico algorithms, and/or has population frequency not consistent with disease.

Breakthrough Genomics
Classification: Benign. Review status: criteria provided, single submitter. Criteria: ACMG Guidelines, 2015. Collection method: not provided. Allele origin: germline. Inheritance: Autosomal recessive inheritance. Affected: yes.

PreventionGenetics, part of Exact Sciences
Classification: Benign. Review status: criteria provided, single submitter. Criteria: ACMG Guidelines, 2015. Collection method: clinical testing. Allele origin: germline.

Mayo Clinic Laboratories, Mayo Clinic
Classification: Benign. Last evaluated: 2016-02-22. Review status: no assertion criteria provided. Collection method: clinical testing. Allele origin: unknown. Not counted in ClinVar's aggregate classification.